The following is an entry in ClinVar:

ClinVar aggregate classification (germline): Likely pathogenic (1 of 4 stars; one submission).

Conditions:
Gorlin syndrome. Also called: Basal cell nevus syndrome; Nevoid Basal Cell Carcinoma Syndrome. Identifiers: Orphanet 377, MedGen C0004779, MONDO:0007187.

Submission:

Labcorp Genetics (formerly Invitae), Labcorp
Classification: Likely pathogenic for Gorlin syndrome. Last evaluated: 2021-08-06. Review status: criteria provided, single submitter. Criteria: Invitae Variant Classification Sherloc (09022015). Collection method: clinical testing. Allele origin: germline.
Comment: In summary, the currently available evidence indicates that the variant is pathogenic, but additional data are needed to prove that conclusively. Therefore, this variant has been classified as Likely Pathogenic. Algorithms developed to predict the effect of sequence changes on RNA splicing suggest that this variant may disrupt the consensus splice site. ClinVar contains an entry for this variant (Variation ID: 428830). This variant has not been reported in the literature in individuals affected with PTCH1-related conditions. This variant is not present in population databases (ExAC no frequency). This sequence change affects a donor splice site in intron 6 of the PTCH1 gene. It is expected to disrupt RNA splicing. Variants that disrupt the donor or acceptor splice site typically lead to a loss of protein function (PMID: 16199547), and loss-of-function variants in PTCH1 are known to be pathogenic (PMID: 16301862, 16419085).

Literature cited by the submitters: PubMed 16199547; PubMed 16301862; PubMed 16419085.

NM_000264.5(PTCH1):c.945+2_945+8delinsCGCT

Gene: PTCH1 (patched 1; minus strand). Cytogenetic location: 9q22.32.
Variant type: Indel.
Coding change: c.945+2_945+8delinsCGCT on transcript NM_000264.5 (MANE Select); the canonical splice donor site of the intron after coding-DNA position 945 through 8 bases into the intron after coding-DNA position 945, TGAGTAC replaced by CGCT.
Molecular consequence: splice donor variant.
Genome position (GRCh38, 1-based): chr9:95,480,382-95,480,388, GTACTCA replaced by AGCG on the plus strand (TGAGTAC replaced by CGCT on the coding strand, the reverse complement: PTCH1 is on the minus strand). VCF-style: chr9-95480382-GTACTCA-AGCG. GRCh37 (hg19) VCF-style: chr9-98242664-GTACTCA-AGCG.
Other names: c.942+2_942+8delinsCGCT (NM_001083603.3); c.747+2_747+8delinsCGCT (NM_001083602.3); c.945+2_945+8delinsCGCT (NM_001354918.2); c.492+2_492+8delinsCGCT (NM_001083605.3, NM_001083604.3, NM_001083606.3 and 1 more transcripts).
Identifiers: ClinVar variation 644980 (VCV000644980.6), dbSNP rs1588609559, ClinGen allele CA915947077.